The following is an entry in ClinVar:

ClinVar aggregate classification (germline): Likely pathogenic (1 of 4 stars; one submission).

Conditions:
Familial thoracic aortic aneurysm and aortic dissection (TAAD). Also called: Thoracic aortic aneurysms and dissections. Identifiers: Orphanet 91387, MedGen C4707243, MONDO:0019625.
Marfan syndrome (MFS). Also called: FBN1-Related Marfan Syndrome; Marfan syndrome type 1; Marfan's syndrome; Marfan syndrome, classic; MARFAN SYNDROME, TYPE I. Identifiers: Orphanet 284963, Orphanet 558, MedGen C0024796, MONDO:0007947, OMIM 154700.

Submission:

Labcorp Genetics (formerly Invitae), Labcorp
Classification: Likely pathogenic for Marfan syndrome; Familial thoracic aortic aneurysm and aortic dissection. Last evaluated: 2025-11-21. Review status: criteria provided, single submitter. Criteria: Invitae Variant Classification Sherloc (09022015). Collection method: clinical testing. Allele origin: germline.
Comment: This sequence change replaces glycine, which is neutral and non-polar, with glutamic acid, which is acidic and polar, at codon 1091 of the FBN1 protein (p.Gly1091Glu). This variant is not present in population databases (gnomAD no frequency). This missense change has been observed in individual(s) with Marfan syndrome (PMID: 27234404, 31279624; internal data). ClinVar contains an entry for this variant (Variation ID: 575810). Invitae Evidence Modeling of protein sequence and biophysical properties (such as structural, functional, and spatial information, amino acid conservation, physicochemical variation, residue mobility, and thermodynamic stability) indicates that this missense variant is expected to disrupt FBN1 protein function with a positive predictive value of 95%. In summary, the currently available evidence indicates that the variant is pathogenic, but additional data are needed to prove that conclusively. Therefore, this variant has been classified as Likely Pathogenic.

Literature cited by the submitters: PubMed 27234404; PubMed 31279624.

NM_000138.5(FBN1):c.3272G>A (p.Gly1091Glu)

Gene: FBN1 (fibrillin 1; minus strand). Cytogenetic location: 15q21.1.
Variant type: single nucleotide variant.
Coding change: c.3272G>A on transcript NM_000138.5 (MANE Select); coding-DNA position 3272, G replaced by A.
Protein change: p.Gly1091Glu; replaces glycine 1091 with glutamic acid.
Molecular consequence: missense variant.
Genome position (GRCh38, 1-based): chr15:48,488,178, C>T on the plus strand (G>A on the coding strand, the complement: FBN1 is on the minus strand). VCF-style: chr15-48488178-C-T. GRCh37 (hg19) VCF-style: chr15-48780375-C-T.
Other names: short protein forms G1091E.
Identifiers: ClinVar variation 575810 (VCV000575810.8), dbSNP rs1566909798, ClinGen allele CA392327345.